The following is an entry in ClinVar:

ClinVar aggregate classification (germline): Uncertain significance (1 of 4 stars; one submission).

Allele frequency attached by ClinVar (database versions not stated): TOPMed 0.00001; gnomAD exomes 0.00004; gnomAD 0.00008; ExAC 0.00012; 1000 Genomes Project 0.00080; 1000 Genomes Project 30x 0.00109.
gnomAD v4.1: 69 of 1,614,110 alleles (0.0043%); highest among the groups gnomAD compares: South Asian, 0.068%; 1 homozygote.

Submission:

Labcorp Genetics (formerly Invitae), Labcorp
Classification: Uncertain significance. Last evaluated: 2022-10-19. Review status: criteria provided, single submitter. Criteria: Invitae Variant Classification Sherloc (09022015). Collection method: clinical testing. Allele origin: germline.
Comment: This sequence change replaces aspartic acid, which is acidic and polar, with alanine, which is neutral and non-polar, at codon 1275 of the DISP1 protein (p.Asp1275Ala). This variant is present in population databases (rs543740042, gnomAD 0.07%), and has an allele count higher than expected for a pathogenic variant. This variant has not been reported in the literature in individuals affected with DISP1-related conditions. Algorithms developed to predict the effect of missense changes on protein structure and function (SIFT, PolyPhen-2, Align-GVGD) all suggest that this variant is likely to be tolerated. In summary, the available evidence is currently insufficient to determine the role of this variant in disease. Therefore, it has been classified as a Variant of Uncertain Significance.

NM_001377229.1(DISP1):c.3824A>C (p.Asp1275Ala)

Gene: DISP1 (dispatched RND transporter family member 1; plus strand). Cytogenetic location: 1q41.
Variant type: single nucleotide variant.
Coding change: c.3824A>C on transcript NM_001377229.1 (MANE Select); coding-DNA position 3824, A replaced by C.
Protein change: p.Asp1275Ala; replaces aspartic acid 1275 with alanine.
Molecular consequence: missense variant.
Genome position (GRCh38, 1-based): chr1:223,005,221, A>C. VCF-style: chr1-223005221-A-C. GRCh37 (hg19) VCF-style: chr1-223178563-A-C.
Other names: c.3095A>C, p.Asp1032Ala (NM_001350630.2); c.3824A>C, p.Asp1275Ala (NM_001369594.1, NM_001377228.1, NM_032890.5); short protein forms D1275A, D1032A.
Identifiers: ClinVar variation 2186073 (VCV002186073.4), dbSNP rs543740042, ClinGen allele CA1409477.